The following is an entry in ClinVar:

ClinVar aggregate classification (germline): Uncertain significance. Review status: criteria provided, multiple submitters, no conflicts (2 of 4 stars). 2 submissions from 2 submitters: Uncertain significance (2). Last evaluated 2025-09-29.

Conditions:
Cardiomyopathy (CMYO). Also called: Cardiomyopathies. Identifiers: Orphanet 167848, MedGen C0878544, MONDO:0004994, HP:0001638. Inheritance: Various modes of inheritance.
Hypertrophic cardiomyopathy. Also called: HYPERTROPHIC MYOCARDIOPATHY. Identifiers: Orphanet 217569, MedGen C0007194, MeSH D002312, MONDO:0005045, HP:0001639.

Submissions (2):

Color Diagnostics, LLC DBA Color Health
Classification: Uncertain significance for Cardiomyopathy. Last evaluated: 2025-09-29. Review status: criteria provided, single submitter. Criteria: ACMG Guidelines, 2015. Collection method: clinical testing. Allele origin: germline.
Comment: This missense variant replaces glutamic acid with aspartic acid at codon 516 of the MYBPC3 protein. Computational prediction suggests that this variant may not impact protein structure and function. To our knowledge, functional studies have not been reported for this variant. This variant has not been reported in individuals affected with MYBPC3-related disorders in the literature. This variant has not been identified in the general population by the Genome Aggregation Database (gnomAD). The available evidence is insufficient to determine the role of this variant in disease conclusively. Therefore, this variant is classified as a Variant of Uncertain Significance.

Labcorp Genetics (formerly Invitae), Labcorp
Classification: Uncertain significance for Hypertrophic cardiomyopathy. Last evaluated: 2020-11-14. Review status: criteria provided, single submitter. Criteria: Invitae Variant Classification Sherloc (09022015). Collection method: clinical testing. Allele origin: germline.
Comment: This sequence change replaces glutamic acid with aspartic acid at codon 516 of the MYBPC3 protein (p.Glu516Asp). The glutamic acid residue is highly conserved and there is a small physicochemical difference between glutamic acid and aspartic acid. This variant is not present in population databases (ExAC no frequency). This variant has not been reported in the literature in individuals with MYBPC3-related conditions. Algorithms developed to predict the effect of missense changes on protein structure and function (SIFT, PolyPhen-2, Align-GVGD) all suggest that this variant is likely to be tolerated, but these predictions have not been confirmed by published functional studies and their clinical significance is uncertain. In summary, the available evidence is currently insufficient to determine the role of this variant in disease. Therefore, it has been classified as a Variant of Uncertain Significance.

NM_000256.3(MYBPC3):c.1548G>C (p.Glu516Asp)

Gene: MYBPC3 (myosin binding protein C3; minus strand). Cytogenetic location: 11p11.2.
Variant type: single nucleotide variant.
Coding change: c.1548G>C on transcript NM_000256.3 (MANE Select); coding-DNA position 1548, G replaced by C.
Protein change: p.Glu516Asp; replaces glutamic acid 516 with aspartic acid.
Molecular consequence: missense variant.
Genome position (GRCh38, 1-based): chr11:47,342,654, C>G on the plus strand (G>C on the coding strand, the complement: MYBPC3 is on the minus strand). VCF-style: chr11-47342654-C-G. GRCh37 (hg19) VCF-style: chr11-47364205-C-G.
Other names: short protein forms E516D.
Identifiers: ClinVar variation 1412061 (VCV001412061.8), dbSNP rs1595846192, ClinGen allele CA380325129.